The following is an entry in ClinVar:

ClinVar aggregate classification (germline): Uncertain significance. Review status: criteria provided, single submitter (1 of 4 stars). 2 submissions from 2 submitters: Uncertain significance (1). 1 of the submissions does not count toward it. Last evaluated 2024-11-18.

Conditions:
KIDINS220-related disorder. Also called: KIDINS220-related condition.

gnomAD v4.1: 53 of 1,613,748 alleles (0.0033%); highest among the groups gnomAD compares: Admixed American, 0.012%; no homozygotes.

Submissions (2):

Labcorp Genetics (formerly Invitae), Labcorp
Classification: Uncertain significance. Last evaluated: 2024-11-18. Review status: criteria provided, single submitter. Criteria: Invitae Variant Classification Sherloc (09022015). Collection method: clinical testing. Allele origin: germline.
Comment: This sequence change replaces leucine, which is neutral and non-polar, with proline, which is neutral and non-polar, at codon 507 of the KIDINS220 protein (p.Leu507Pro). This variant is present in population databases (rs201460104, gnomAD 0.1%). This variant has not been reported in the literature in individuals affected with KIDINS220-related conditions. ClinVar contains an entry for this variant (Variation ID: 2428341). An algorithm developed to predict the effect of missense changes on protein structure and function (PolyPhen-2) suggests that this variant is likely to be disruptive. In summary, the available evidence is currently insufficient to determine the role of this variant in disease. Therefore, it has been classified as a Variant of Uncertain Significance.

PreventionGenetics, part of Exact Sciences
Classification: Uncertain significance for KIDINS220-related condition. Last evaluated: 2024-09-01. Review status: no assertion criteria provided. Collection method: clinical testing. Allele origin: germline. Not counted in ClinVar's aggregate classification.
Comment: The KIDINS220 c.1520T>C variant is predicted to result in the amino acid substitution p.Leu507Pro. To our knowledge, this variant has not been reported in the literature. This variant is reported in 0.11% of alleles in individuals of Ashkenazi Jewish descent in gnomAD, which is likely too common for an undocumented disease-causing variant. Although we suspect that this variant may be benign, at this time, the clinical significance of this variant is uncertain due to the absence of conclusive functional and genetic evidence.

NM_020738.4(KIDINS220):c.1520T>C (p.Leu507Pro)

Gene: KIDINS220 (kinase D interacting substrate 220; minus strand). Cytogenetic location: 2p25.1.
Variant type: single nucleotide variant.
Coding change: c.1520T>C on transcript NM_020738.4 (MANE Select); coding-DNA position 1520, T replaced by C.
Protein change: p.Leu507Pro; replaces leucine 507 with proline.
Molecular consequence: missense variant. On other transcripts: non-coding transcript variant (2).
Genome position (GRCh38, 1-based): chr2:8,789,981, A>G on the plus strand (T>C on the coding strand, the complement: KIDINS220 is on the minus strand). VCF-style: chr2-8789981-A-G. GRCh37 (hg19) VCF-style: chr2-8930111-A-G.
Other names: c.1523T>C, p.Leu508Pro (NM_001348729.2, NM_001348731.2, NM_001348734.2 and 3 more transcripts); c.1520T>C, p.Leu507Pro (NM_001348732.2, NM_001348735.2, NM_001348738.2 and 3 more transcripts); c.1520T>C (NM_020738.2); c.1394T>C, p.Leu465Pro (NM_001348736.2); short protein forms L465P, L507P, L508P.
Identifiers: ClinVar variation 2428341 (VCV002428341.9), dbSNP rs201460104, ClinGen allele CA1520166.
Genomic context (GRCh38, chr2:8,789,981, plus strand): 5'-GCTATTCCAAGATTTGGGTGGACCGTGAAGGCAAACAATAAACCAAGCCCTCCACAAAGT[A>G]GCAGGGTAAGAAACACTATGAGCCATGAGAACTGAAAGAGAGGCTCAATCTGTTGTCCGG-3'
Protein context (NP_065789.1, residues 497-517): FSWLIVFLTL[Leu507Pro]LCGGLGLLFA